The following is an entry in ClinVar:

NM_000455.5(STK11):c.735-23_735-20dup

Gene: STK11 (serine/threonine kinase 11; plus strand). Cytogenetic location: 19p13.3.
Variant type: Duplication.
Coding change: c.735-23_735-20dup on transcript NM_000455.5 (MANE Select); 23 bases into the intron before coding-DNA position 735 through 20 bases into the intron before coding-DNA position 735, 4 bases duplicated (TCTT; older notation c.735-23_735-20dupTCTT).
Molecular consequence: intron variant.
Genome position (GRCh38, 1-based): chr19:1,221,190-1,221,193, TCTT duplicated; duplicating any 4 consecutive bases within chr19:1,221,187-1,221,193 gives the same sequence; the c. name uses the placement nearest the transcript's 3' end. VCF-style (leftmost placement, unchanged base first): chr19-1221186-C-CCTTT. GRCh37 (hg19) VCF-style: chr19-1221185-C-CCTTT.
Other names: c.735-23_735-20dup (NM_001407255.1).
Identifiers: ClinVar variation 3904275 (VCV003904275.1).

ClinVar aggregate classification (germline): Benign (1 of 4 stars; one submission).

Conditions:
Peutz-Jeghers syndrome (PJS). Also called: POLYPOSIS, HAMARTOMATOUS INTESTINAL; POLYPS-AND-SPOTS SYNDROME; Peutz-Jeghers polyposis; Periorificial lentiginosis syndrome. Identifiers: Orphanet 2869, MedGen C0031269, MeSH D010580, MONDO:0008280, OMIM 175200.

Submission:

Myriad Genetics, Inc.
Classification: Benign for Peutz-Jeghers syndrome. Last evaluated: 2025-03-27. Review status: criteria provided, single submitter. Criteria: Myriad Autosomal Dominant, Autosomal Recessive and X-Linked Classification Criteria (2023). Collection method: clinical testing. Allele origin: unknown.
Comment: This variant is considered benign. This variant is intronic and is not expected to impact mRNA splicing.